The following is an entry in ClinVar:

NM_000070.3(CAPN3):c.1255G>A (p.Asp419Asn)

Gene: CAPN3 (calpain 3; plus strand). Cytogenetic location: 15q15.1.
Variant type: single nucleotide variant.
Coding change: c.1255G>A on transcript NM_000070.3 (MANE Select); coding-DNA position 1255, G replaced by A.
Protein change: p.Asp419Asn; replaces aspartic acid 419 with asparagine.
Molecular consequence: missense variant.
Genome position (GRCh38, 1-based): chr15:42,399,553, G>A. VCF-style: chr15-42399553-G-A. GRCh37 (hg19) VCF-style: chr15-42691751-G-A.
Other names: c.1255G>A, p.Asp419Asn (NM_024344.2); c.1111G>A, p.Asp371Asn (NM_173087.2); short protein forms D371N, D419N.
Identifiers: ClinVar variation 1370900 (VCV001370900.7), dbSNP rs1177153235, ClinGen allele CA391999444.

ClinVar aggregate classification (germline): Uncertain significance. Review status: criteria provided, multiple submitters, no conflicts (2 of 4 stars). 2 submissions from 2 submitters: Uncertain significance (2). Last evaluated 2024-08-12.

Conditions:
Autosomal recessive limb-girdle muscular dystrophy type 2A (LGMDR1). Also called: Calpainopathy; LEYDEN-MOEBIUS MUSCULAR DYSTROPHY; MUSCULAR DYSTROPHY, PELVOFEMORAL; Limb-girdle muscular dystrophy, type 2A; Muscular dystrophy, limb-girdle, type 2A, Amish. Identifiers: Orphanet 267, MedGen C1869123, MONDO:0009675, OMIM 253600. Disease mechanism: loss of function.

Allele frequency attached by ClinVar (database versions not stated): gnomAD exomes below 0.00001 and 0.00001; TOPMed below 0.00001; gnomAD 0.00001.
gnomAD v4.1: 10 of 1,613,540 alleles (0.00062%); highest among the groups gnomAD compares: East Asian, 0.0022%; no homozygotes.

Submissions (2):

Labcorp Genetics (formerly Invitae), Labcorp
Classification: Uncertain significance for Autosomal recessive limb-girdle muscular dystrophy type 2A. Last evaluated: 2024-08-12. Review status: criteria provided, single submitter. Criteria: Invitae Variant Classification Sherloc (09022015). Collection method: clinical testing. Allele origin: germline.
Comment: This sequence change replaces aspartic acid, which is acidic and polar, with asparagine, which is neutral and polar, at codon 419 of the CAPN3 protein (p.Asp419Asn). This variant is present in population databases (no rsID available, gnomAD 0.0009%). This variant has not been reported in the literature in individuals affected with CAPN3-related conditions. ClinVar contains an entry for this variant (Variation ID: 1370900). Advanced modeling of protein sequence and biophysical properties (such as structural, functional, and spatial information, amino acid conservation, physicochemical variation, residue mobility, and thermodynamic stability) performed at Invitae indicates that this missense variant is expected to disrupt CAPN3 protein function with a positive predictive value of 80%. This variant disrupts the p.Asp419 amino acid residue in CAPN3. Other variant(s) that disrupt this residue have been observed in individuals with CAPN3-related conditions (PMID: 18055493), which suggests that this may be a clinically significant amino acid residue. In summary, the available evidence is currently insufficient to determine the role of this variant in disease. Therefore, it has been classified as a Variant of Uncertain Significance.

Women's Health and Genetics/Laboratory Corporation of America, LabCorp
Classification: Uncertain significance. Last evaluated: 2024-04-15. Review status: criteria provided, single submitter. Criteria: LabCorp Variant Classification Summary - May 2015. Collection method: clinical testing. Allele origin: germline.

Literature cited by the submitters: PubMed 18055493 (cited by Labcorp Genetics (formerly Invitae), Labcorp).